The following is an entry in ClinVar:

ClinVar aggregate classification (germline): Uncertain significance (1 of 4 stars; one submission).

Submission:

Labcorp Genetics (formerly Invitae), Labcorp
Classification: Uncertain significance. Last evaluated: 2023-12-18. Review status: criteria provided, single submitter. Criteria: Invitae Variant Classification Sherloc (09022015). Collection method: clinical testing. Allele origin: germline.
Comment: This sequence change replaces arginine, which is basic and polar, with glycine, which is neutral and non-polar, at codon 601 of the C2 protein (p.Arg601Gly). This variant is present in population databases (no rsID available, gnomAD 0.0009%). This variant has not been reported in the literature in individuals affected with C2-related conditions. Advanced modeling of protein sequence and biophysical properties (such as structural, functional, and spatial information, amino acid conservation, physicochemical variation, residue mobility, and thermodynamic stability) performed at Invitae indicates that this missense variant is not expected to disrupt C2 protein function with a negative predictive value of 80%. In summary, the available evidence is currently insufficient to determine the role of this variant in disease. Therefore, it has been classified as a Variant of Uncertain Significance.

NM_000063.6(C2):c.1801A>G (p.Arg601Gly)

Gene: C2 (complement C2; plus strand). Cytogenetic location: 6p21.33.
Variant type: single nucleotide variant.
Coding change: c.1801A>G on transcript NM_000063.6 (MANE Select); coding-DNA position 1801, A replaced by G.
Protein change: p.Arg601Gly; replaces arginine 601 with glycine.
Molecular consequence: missense variant.
Genome position (GRCh38, 1-based): chr6:31,943,984, A>G. VCF-style: chr6-31943984-A-G. GRCh37 (hg19) VCF-style: chr6-31911761-A-G.
Other names: c.1405A>G, p.Arg469Gly (NM_001145903.3); c.1159A>G, p.Arg387Gly (NM_001178063.3); c.1063A>G, p.Arg355Gly (NM_001282457.2); c.1714A>G, p.Arg572Gly (NM_001282458.2); short protein forms R387G, R469G, R355G, R572G, R601G.
Identifiers: ClinVar variation 2981898 (VCV002981898.3), dbSNP rs1181498570, ClinGen allele CA363381028.